The following is an entry in ClinVar:

ClinVar aggregate classification (germline): Uncertain significance. Review status: criteria provided, multiple submitters, no conflicts (2 of 4 stars). 2 submissions from 2 submitters: Uncertain significance (2). Last evaluated 2026-08-01.

gnomAD v4.1: 4 of 1,614,154 alleles (0.00025%); highest among the groups gnomAD compares: Middle Eastern, 0.066%; no homozygotes.

Submissions (2):

CeGaT Center for Human Genetics Tuebingen
Classification: Uncertain significance. Last evaluated: 2026-08-01. Review status: criteria provided, single submitter. Criteria: CeGaT Center For Human Genetics Tuebingen Variant Classification Criteria Version 2. Collection method: clinical testing. Allele origin: germline. Affected: yes. Observed: 1 variant allele.

Dasa
Classification: Uncertain significance. Last evaluated: 2026-05-25. Review status: criteria provided, single submitter. Criteria: DASA Assertion Criteria. Collection method: clinical testing. Allele origin: germline.
Comment: NM_138927.4(SON):c.2240C>T (p.Ala747Val) is a missense variant that results in the substitution of alanine with valine. This variant is rare in population databases. The currently available literature and clinical evidence are not sufficient to establish a definitive association between this variant and the reported condition. Therefore, this variant is classified as a variant of uncertain significance.

NM_138927.4(SON):c.2240C>T (p.Ala747Val)

Gene: SON (SON DNA and RNA binding protein; plus strand). Cytogenetic location: 21q22.11.
Variant type: single nucleotide variant.
Coding change: c.2240C>T on transcript NM_138927.4 (MANE Select); coding-DNA position 2240, C replaced by T.
Protein change: p.Ala747Val; replaces alanine 747 with valine.
Molecular consequence: missense variant. On other transcripts: non-coding transcript variant (1), intron variant (1).
Genome position (GRCh38, 1-based): chr21:33,551,471, C>T. VCF-style: chr21-33551471-C-T. GRCh37 (hg19) VCF-style: chr21-34923777-C-T.
Other names: c.2240C>T, p.Ala747Val (NM_001291411.2, NM_032195.3); c.244+5092C>T (NM_001291412.3); short protein forms A747V.
Identifiers: ClinVar variation 5020494 (VCV005020494.2).